The following is an entry in ClinVar:

NM_001354969.2(SAXO6):c.1750-1G>C

Gene: SAXO6 (stabilizer of axonemal microtubules 6; minus strand). Cytogenetic location: 12q15.
Variant type: single nucleotide variant.
Coding change: c.1750-1G>C on transcript NM_001354969.2 (MANE Select); the canonical splice acceptor site of the intron before coding-DNA position 1750, G replaced by C.
Molecular consequence: splice acceptor variant.
Genome position (GRCh38, 1-based): chr12:68,302,873, C>G on the plus strand (G>C on the coding strand, the complement: SAXO6 is on the minus strand). VCF-style: chr12-68302873-C-G. GRCh37 (hg19) VCF-style: chr12-68696653-C-G.
Other names: NC_000012.12:g.68302873C>G I NP_001341898.1:p.?; c.880-1G>C (NM_001354974.2); c.1615-1G>C (NM_001205028.3); c.910-1G>C (NM_001354973.2, NM_001354971.2, NM_001368282.1 and 1 more transcripts); c.1720-1G>C (NM_017440.6); c.1600-1G>C (NM_001354970.2).
Identifiers: ClinVar variation 4813672 (VCV004813672.1).

ClinVar aggregate classification (germline): Likely pathogenic (1 of 4 stars; one submission).

Conditions:
Retinitis pigmentosa with or without extraocular features.

Submission:

Ophthalmic Genetics Group, Institute of Molecular and Clinical Ophthalmology Basel
Classification: Likely pathogenic for Retinitis pigmentosa with or without extraocular features. Last evaluated: 2025-12-02. Review status: criteria provided, single submitter. Criteria: ACMG Guidelines, 2015. Collection method: research. Allele origin: germline. Affected: yes. Observed: 1 variant allele.
Comment: This splice variant was predicted by in silico tools to alter the canonical spllicing of SAXO6 by skipping exon 13 and shifting the downstream reading frame, likely resulting in nonsense-mediated mRNA decay. This variant has a low population frequency based on gnomAD v4.1. This variant was classified as Likely pathogenic based on ACMG criteria: PVS1, PM2_sup.

Literature cited by the submitters: PubMed 41742423.